The following is an entry in ClinVar:

ClinVar aggregate classification (germline): Uncertain significance (1 of 4 stars; one submission).

Conditions:
Generalized epilepsy-paroxysmal dyskinesia syndrome (PNKD3). Also called: Generalized epilepsy and paroxysmal dyskinesia; Paroxysmal nonkinesigenic dyskinesia, 3, with or without generalized epilepsy. Identifiers: Orphanet 79137, MedGen C5574945, MONDO:0012276, OMIM 609446.

Submission:

Labcorp Genetics (formerly Invitae), Labcorp
Classification: Uncertain significance for Generalized epilepsy-paroxysmal dyskinesia syndrome. Last evaluated: 2021-02-24. Review status: criteria provided, single submitter. Criteria: Invitae Variant Classification Sherloc (09022015). Collection method: clinical testing. Allele origin: germline.
Comment: In summary, the available evidence is currently insufficient to determine the role of this variant in disease. Therefore, it has been classified as a Variant of Uncertain Significance. Algorithms developed to predict the effect of missense changes on protein structure and function (SIFT, PolyPhen-2, Align-GVGD) all suggest that this variant is likely to be tolerated, but these predictions have not been confirmed by published functional studies and their clinical significance is uncertain. This variant has not been reported in the literature in individuals with KCNMA1-related conditions. This variant is not present in population databases (ExAC no frequency). This sequence change replaces glutamic acid with aspartic acid at codon 147 of the KCNMA1 protein (p.Glu147Asp). The glutamic acid residue is moderately conserved and there is a small physicochemical difference between glutamic acid and aspartic acid.

NM_001161352.2(KCNMA1):c.441A>T (p.Glu147Asp)

Gene: KCNMA1 (potassium calcium-activated channel subfamily M alpha 1; minus strand). Cytogenetic location: 10q22.3.
Variant type: single nucleotide variant.
Coding change: c.441A>T on transcript NM_001161352.2 (MANE Select); coding-DNA position 441, A replaced by T.
Protein change: p.Glu147Asp; replaces glutamic acid 147 with aspartic acid.
Molecular consequence: missense variant. On other transcripts: intron variant (1).
Genome position (GRCh38, 1-based): chr10:77,403,961, T>A on the plus strand (A>T on the coding strand, the complement: KCNMA1 is on the minus strand). VCF-style: chr10-77403961-T-A. GRCh37 (hg19) VCF-style: chr10-79163719-T-A.
Other names: c.441A>T, p.Glu147Asp (NM_001014797.3, NM_001161353.2, NM_001271519.2 and 7 more transcripts); c.379-152705A>T (NM_001271518.2); short protein forms E147D.
Identifiers: ClinVar variation 1483144 (VCV001483144.8), dbSNP rs2154465169, ClinGen allele CA377411133.
Genomic context (GRCh38, chr10:77,403,961, plus strand): 5'-CCCCGCCCAGTCCTTCACGGAGGTCATCCAGCCGACCTCGGCGGCCACTGCCTCCTCTTT[T>A]TCATCCACTGGTTTGAGAGTGCCATCCGCCTGGCTTGAGCCATTGTTAATCTTCTGGGCC-3'
Protein context (NP_001154824.1, residues 137-157): QADGTLKPVD[Glu147Asp]KEEAVAAEVG